The following is an entry in ClinVar:

NM_001453.3(FOXC1):c.58G>A (p.Gly20Ser)

Gene: FOXC1 (forkhead box C1; plus strand). Cytogenetic location: 6p25.3.
Variant type: single nucleotide variant.
Coding change: c.58G>A on transcript NM_001453.3 (MANE Select); coding-DNA position 58, G replaced by A.
Protein change: p.Gly20Ser; replaces glycine 20 with serine.
Molecular consequence: missense variant.
Genome position (GRCh38, 1-based): chr6:1,610,503, G>A. VCF-style: chr6-1610503-G-A. GRCh37 (hg19) VCF-style: chr6-1610738-G-A.
Other names: short protein forms G20S.
Identifiers: ClinVar variation 2177605 (VCV002177605.4), dbSNP rs1232604219, ClinGen allele CA362557985.

ClinVar aggregate classification (germline): Uncertain significance (1 of 4 stars; one submission).

Conditions:
Axenfeld-Rieger syndrome type 3 (RIEG3). Also called: AXENFELD-RIEGER ANOMALY WITH CARDIAC DEFECTS AND/OR SENSORINEURAL HEARING LOSS. Identifiers: Orphanet 782, MedGen C2678503, MONDO:0011233, OMIM 602482.

Allele frequency attached by ClinVar (database versions not stated): gnomAD exomes below 0.00001.
gnomAD v4.1: 9 of 1,506,820 alleles (0.0006%); highest among the groups gnomAD compares: Middle Eastern, 0.024%; no homozygotes.

Submission:

Labcorp Genetics (formerly Invitae), Labcorp
Classification: Uncertain significance for Axenfeld-Rieger syndrome type 3. Last evaluated: 2025-04-11. Review status: criteria provided, single submitter. Criteria: Invitae Variant Classification Sherloc (09022015). Collection method: clinical testing. Allele origin: germline.
Comment: This sequence change replaces glycine, which is neutral and non-polar, with serine, which is neutral and polar, at codon 20 of the FOXC1 protein (p.Gly20Ser). This variant is not present in population databases (gnomAD no frequency). This variant has not been reported in the literature in individuals affected with FOXC1-related conditions. ClinVar contains an entry for this variant (Variation ID: 2177605). An algorithm developed to predict the effect of missense changes on protein structure and function (PolyPhen-2) suggests that this variant is likely to be tolerated. In summary, the available evidence is currently insufficient to determine the role of this variant in disease. Therefore, it has been classified as a Variant of Uncertain Significance.